The following is an entry in ClinVar:

NM_000260.4(MYO7A):c.705C>A (p.Tyr235Ter)

Gene: MYO7A (myosin VIIA; plus strand). Cytogenetic location: 11q13.5.
Variant type: single nucleotide variant.
Coding change: c.705C>A on transcript NM_000260.4 (MANE Select); coding-DNA position 705, C replaced by A.
Protein change: p.Tyr235Ter; replaces tyrosine 235 with a stop codon.
Molecular consequence: nonsense.
Genome position (GRCh38, 1-based): chr11:77,156,974, C>A. VCF-style: chr11-77156974-C-A. GRCh37 (hg19) VCF-style: chr11-76868020-C-A.
Other names: c.705C>A, p.Tyr235Ter (NM_001127180.2); c.672C>A, p.Tyr224Ter (NM_001369365.1); short protein forms Y224*, Y235*.
Identifiers: ClinVar variation 5013535 (VCV005013535.1).

ClinVar aggregate classification (germline): Pathogenic (1 of 4 stars; one submission).

Conditions:
Usher syndrome type 1 (USH1). Also called: RETINITIS PIGMENTOSA AND CONGENITAL DEAFNESS. Identifiers: Orphanet 231169, Orphanet 886, MedGen C1568247, MONDO:0010168, OMIM 276900.

Submission:

Myriad Genetics, Inc.
Classification: Pathogenic for Usher syndrome type 1. Last evaluated: 2024-09-08. Review status: criteria provided, single submitter. Criteria: Myriad Autosomal Dominant, Autosomal Recessive and X-Linked Classification Criteria (2023). Collection method: clinical testing. Allele origin: unknown.
Comment: NM_000260.3(MYO7A):c.705C>A(Y235*) is expected to be pathogenic in the context of MYO7A-related disorders. This variant is predicted to lead to an abnormal or absent protein product due to the creation of a premature termination codon in MYO7A, a gene where loss-of-function variants are known to be pathogenic. Please note: this variant was assessed in the context of healthy population screening.